The following is an entry in ClinVar:

ClinVar aggregate classification (germline): Uncertain significance (1 of 4 stars; one submission).

Submission:

Geisinger Autism and Developmental Medicine Institute, Geisinger Health System
Classification: Uncertain significance. Last evaluated: 2018-03-30. Review status: criteria provided, single submitter. Criteria: ACMG CNV Guidelines, 2011. Collection method: provider interpretation. Allele origin: de novo.
Comment: This deletion includes no genes that are associated with a known clinical phenotype at present. It is unclear at this time if this deletion is related to the patient's neurodevelopmental history.

Single allele

Genes: CCDC106 (coiled-coil domain containing 106; plus strand), EPN1 (epsin 1; plus strand), FIZ1 (FLT3 interacting zinc finger 1; minus strand), NLRP11 (NLR family pyrin domain containing 11; minus strand), NLRP13 (NLR family pyrin domain containing 13; minus strand) and 34 more. Cytogenetic location: 19q13.42-13.43.
Variant type: Deletion.
Identifiers: ClinVar variation 560140 (VCV000560140.3).